The following is an entry in ClinVar:

ClinVar aggregate classification (germline): Pathogenic/Likely pathogenic. Review status: criteria provided, multiple submitters, no conflicts (2 of 4 stars). 7 submissions from 7 submitters: Pathogenic (2); Likely pathogenic (3). 2 of the submissions do not count toward it. Last evaluated 2024-06-18.

Conditions:
Hyperproinsulinemia. Identifiers: MedGen C0342283, MONDO:0014535, OMIM 616214.
Type 1 diabetes mellitus 2. Identifiers: MedGen C1852092, MONDO:0007454, OMIM 125852.
Diabetes mellitus, permanent neonatal 4. Also called: INS-Related Permanent Neonatal Diabetes Mellitus. Identifiers: MedGen C5394307, MONDO:0030089, OMIM 618858.
Maturity-onset diabetes of the young type 10. Identifiers: Orphanet 552, MedGen C3150617, MONDO:0013240, OMIM 613370.
INS-related disorder. Also called: INS-related condition.

Allele frequency attached by ClinVar (database versions not stated): gnomAD 0.00002; TOPMed 0.00001; gnomAD exomes below 0.00001; ExAC 0.00001.
gnomAD v4.1: 12 of 1,603,692 alleles (0.00075%); highest among the groups gnomAD compares: African/African-American, 0.0013%; no homozygotes.

Submissions (7):

Fulgent Genetics
Classification: Likely pathogenic for Type 1 diabetes mellitus 2; Maturity-onset diabetes of the young type 10; Hyperproinsulinemia; Diabetes mellitus, permanent neonatal 4. Last evaluated: 2024-06-18. Review status: criteria provided, single submitter. Criteria: ACMG Guidelines, 2015. Collection method: clinical testing. Allele origin: germline.

PreventionGenetics, part of Exact Sciences
Classification: Likely pathogenic for INS-related condition. Last evaluated: 2022-09-14. Review status: criteria provided, single submitter. Criteria: ACMG Guidelines, 2015. Collection method: clinical testing. Allele origin: germline.
Comment: The INS c.266G>A variant is predicted to result in the amino acid substitution p.Arg89His. This variant, also known as p.Arg65His using legacy nomenclature, has been reported in multiple individuals with hyperproinsulinemia (Robbins DC et al 1984. PubMed ID: 6368587; Shibasaki et al 1985. PubMed ID: 4019786; Röder ME et al 1996. PubMed ID: 8636380; Collinet M et al 1998. PubMed ID: 9667398; Park et al. 2010. PubMed ID: 20034470). This variant is reported in 0.00097% of alleles in individuals of European (Non-Finnish) descent in gnomAD. Alternative variants at the same amino acid ( p.Arg89Cys, p.Arg89Pro, and p.Arg89Leu) have also been reported in association with hyperproinsulinemia and diabetes (Human Gene Mutation Database). This variant is interpreted as likely pathogenic.

Women's Health and Genetics/Laboratory Corporation of America, LabCorp
Classification: Pathogenic for Hyperproinsulinemia. Last evaluated: 2022-08-03. Review status: criteria provided, single submitter. Criteria: LabCorp Variant Classification Summary - May 2015. Collection method: clinical testing. Allele origin: germline.
Comment: Variant summary: INS c.266G>A (p.Arg89His) results in a non-conservative amino acid change located in the Insulin-like domain (IPR016179) of the encoded protein sequence. Five of five in-silico tools predict a damaging effect of the variant on protein function. The variant allele was found at a frequency of 4.4e-06 in 229810 control chromosomes (gnomAD). p.Arg89His (also described in the literature as Arg65His) has been reported in multiple individuals/families affected with Hyperproinsulinemia (e.g. Shibasaki_1995, Barbetti_1990, Oohashi_1993, Roder_1996, Collinet_1998). These data indicate that the variant is very likely to be associated with disease. At least one publication reports experimental evidence evaluating an impact on protein function. These results showed the variant protein was properly sorted to secretory granules and efficiently secreted (Park_2010). A ClinVar submitter (evaluation after 2014) cites the variant as pathogenic. Based on the evidence outlined above, the variant was classified as pathogenic for Hyperproinsulinemia.

CeGaT Center for Human Genetics Tuebingen
Classification: Pathogenic. Last evaluated: 2020-01-01. Review status: criteria provided, single submitter. Criteria: CeGaT Center For Human Genetics Tuebingen Variant Classification Criteria Version 2. Collection method: clinical testing. Allele origin: germline. Affected: yes. Observed: 1 variant allele.

Juno Genomics, Hangzhou Juno Genomics, Inc
Classification: Likely pathogenic for Hyperproinsulinemia. Review status: criteria provided, single submitter. Criteria: ACMG Guidelines, 2015. Collection method: clinical testing. Allele origin: germline.
Comment: Absent from controls (or at extremely low frequency if recessive) in Genome Aggregation Database.;Multiple lines of computational evidence support a deleterious effect on the gene or gene product.;Co-segregation with disease in multiple affected family members.;The prevalence of the variant in affected individuals is significantly increased compared to the prevalence in controls.

OMIM
Classification: Pathogenic for HYPERPROINSULINEMIA. Last evaluated: 1998-06-01. Review status: no assertion criteria provided. Collection method: literature only. Allele origin: germline. Not counted in ClinVar's aggregate classification.

Clinical Genomics, Uppaluri K&H Personalized Medicine Clinic
Classification: Uncertain significance for Hyperproinsulinemia. Review status: flagged submission. Criteria: K & H Uppaluri Personalized Medicine Clinic Variant Classification & Assertion Criteria_Updated V.1. Collection method: research. Allele origin: unknown. Inheritance: Autosomal dominant inheritance. Not counted in ClinVar's aggregate classification.
Comment: Potent mutations in INS gene can cause early onset diabetes mellitus which is insulin dependent. May have poor response to sulfonylureas, as potent mutations in this gene can cause beta cell destruction. However, more evidence is required to confer the association of this particular variant rs28933985 (Arg65His) with hyperproinsulinemia.
ClinVar note: Reason: Outlier claim with insufficient supporting evidence

Literature cited by the submitters: PubMed 20034470 (cited by Women's Health and Genetics/Laboratory Corporation of America, LabCorp); PubMed 2196279 (cited by Women's Health and Genetics/Laboratory Corporation of America, LabCorp and OMIM); PubMed 9667398 (cited by Women's Health and Genetics/Laboratory Corporation of America, LabCorp and OMIM); PubMed 8269791 (cited by Women's Health and Genetics/Laboratory Corporation of America, LabCorp); PubMed 8636380 (cited by 3 submitters); PubMed 4019786 (cited by Women's Health and Genetics/Laboratory Corporation of America, LabCorp and OMIM); PubMed 7242673 (cited by OMIM); PubMed 6368587 (cited by OMIM).

NM_000207.3(INS):c.266G>A (p.Arg89His)

Genes: INS (insulin; minus strand), INS-IGF2 (INS-IGF2 readthrough; minus strand). Cytogenetic location: 11p15.5.
Variant type: single nucleotide variant.
Coding change: c.266G>A on transcript NM_000207.3 (MANE Select); coding-DNA position 266, G replaced by A.
Protein change: p.Arg89His; replaces arginine 89 with histidine.
Molecular consequence: missense variant. On other transcripts: intron variant (1).
Genome position (GRCh38, 1-based): chr11:2,159,919, C>T on the plus strand (G>A on the coding strand, the complement: INS is on the minus strand). VCF-style: chr11-2159919-C-T. GRCh37 (hg19) VCF-style: chr11-2181149-C-T.
Other names: R65H; c.266G>A, p.Arg89His (NM_001185097.2, NM_001185098.2, NM_001291897.2); c.187+866G>A (NM_001042376.3); short protein forms R89H.
Identifiers: ClinVar variation 13380 (VCV000013380.48), dbSNP rs28933985, ClinGen allele CA123079.